The following is an entry in ClinVar:

NM_000302.4(PLOD1):c.1698T>A (p.Cys566Ter)

Gene: PLOD1 (procollagen-lysine,2-oxoglutarate 5-dioxygenase 1; plus strand). Cytogenetic location: 1p36.22.
Variant type: single nucleotide variant.
Coding change: c.1698T>A on transcript NM_000302.4 (MANE Select); coding-DNA position 1698, T replaced by A.
Protein change: p.Cys566Ter; replaces cysteine 566 with a stop codon.
Molecular consequence: nonsense.
Genome position (GRCh38, 1-based): chr1:11,967,034, T>A. VCF-style: chr1-11967034-T-A. GRCh37 (hg19) VCF-style: chr1-12027091-T-A.
Other names: c.1839T>A, p.Cys613Ter (NM_001316320.2); short protein forms C566*, C613*.
Identifiers: ClinVar variation 2702181 (VCV002702181.3), dbSNP rs2522862242, ClinGen allele CA338447605.

ClinVar aggregate classification (germline): Pathogenic (1 of 4 stars; one submission).

Conditions:
Ehlers-Danlos syndrome, kyphoscoliotic type 1 (EDSKSCL1). Also called: Ehlers-Danlos syndrome, hydroxylysine-deficient; EHLERS-DANLOS SYNDROME, OCULAR-SCOLIOTIC TYPE; EHLERS-DANLOS SYNDROME, TYPE VIA; PLOD1-Related Kyphoscoliotic Ehlers-Danlos Syndrome. Identifiers: Orphanet 1900, MedGen C0268342, MONDO:0016002, OMIM 225400. Disease mechanism: loss of function.

gnomAD v4.1: 1 of 1,614,084 alleles (0.000062%); no homozygotes.

Submission:

Labcorp Genetics (formerly Invitae), Labcorp
Classification: Pathogenic for Ehlers-Danlos syndrome, kyphoscoliotic type 1. Last evaluated: 2023-12-11. Review status: criteria provided, single submitter. Criteria: Invitae Variant Classification Sherloc (09022015). Collection method: clinical testing. Allele origin: germline.
Comment: This sequence change creates a premature translational stop signal (p.Cys566*) in the PLOD1 gene. It is expected to result in an absent or disrupted protein product. Loss-of-function variants in PLOD1 are known to be pathogenic (PMID: 10874315, 21699693). This variant is not present in population databases (gnomAD no frequency). This variant has not been reported in the literature in individuals affected with PLOD1-related conditions. For these reasons, this variant has been classified as Pathogenic.

Literature cited by the submitters: PubMed 10874315; PubMed 21699693.